The following is an entry in ClinVar:

NM_000138.5(FBN1):c.1420T>C (p.Cys474Arg)

Gene: FBN1 (fibrillin 1; minus strand). Cytogenetic location: 15q21.1.
Variant type: single nucleotide variant.
Coding change: c.1420T>C on transcript NM_000138.5 (MANE Select); coding-DNA position 1420, T replaced by C.
Protein change: p.Cys474Arg; replaces cysteine 474 with arginine.
Molecular consequence: missense variant.
Genome position (GRCh38, 1-based): chr15:48,515,435, A>G on the plus strand (T>C on the coding strand, the complement: FBN1 is on the minus strand). VCF-style: chr15-48515435-A-G. GRCh37 (hg19) VCF-style: chr15-48807632-A-G.
Other names: short protein forms C474R.
Identifiers: ClinVar variation 449898 (VCV000449898.1), dbSNP rs1555400380, ClinGen allele CA392343763.
Genomic context (GRCh38, chr15:48,515,435, plus strand): 5'-TGGATCACGTACCAATACACTCCCCACGGAGGTCCAGCTGGAACCCTTTGTTGCACTCAC[A>G]CCGGTAACTCCCAGGAGTTGGAATGCAGCGTCCATTTTGACAGAGATAGCGGACCAACTG-3'
Protein context (NP_000129.3, residues 464-484): RCIPTPGSYR[Cys474Arg]ECNKGFQLDL

ClinVar aggregate classification (germline): Likely pathogenic (1 of 4 stars; one submission).

Submission:

GeneDx
Classification: Likely pathogenic. Last evaluated: 2017-04-04. Review status: criteria provided, single submitter. Criteria: GeneDx Variant Classification (06012015). Collection method: clinical testing. Allele origin: germline. Affected: yes.
Comment: A likely pathogenic variant has been identified in the FBN1 gene. The C474R variant has not been published as pathogenic or been reported as benign to our knowledge. This variant is not observed in large population cohorts (Lek et al., 2016; 1000 Genomes Consortium et al., 2015; Exome Variant Server). The C474R variant is a non-conservative amino acid substitution, which is likely to impact secondary protein structure as these residues differ in polarity, charge, size and/or other properties. This substitution occurs at a position that is conserved across species, and in silico analysis predicts this variant is probably damaging to the protein structure/function. Furthermore, the C474R variant affects a Cysteine residue within a calcium-binding EGF-like domain of the FBN1 gene, which may affect disulfide bonding and is predicted to alter the structure and function of the protein. Cysteine substitutions in the calcium-binding EGF-like domains represent the majority of pathogenic missense changes associated with Marfan syndrome (Collod-Beroud et al., 2003).